The following is an entry in ClinVar:

NM_032608.7(MYO18B):c.941C>T (p.Pro314Leu)

Gene: MYO18B (myosin XVIIIB; plus strand). Cytogenetic location: 22q12.1.
Variant type: single nucleotide variant.
Coding change: c.941C>T on transcript NM_032608.7 (MANE Select); coding-DNA position 941, C replaced by T.
Protein change: p.Pro314Leu; replaces proline 314 with leucine.
Molecular consequence: missense variant.
Genome position (GRCh38, 1-based): chr22:25,768,857, C>T. VCF-style: chr22-25768857-C-T. GRCh37 (hg19) VCF-style: chr22-26164824-C-T.
Other names: c.941C>T, p.Pro314Leu (NM_001318245.2); short protein forms P314L.
Identifiers: ClinVar variation 1406081 (VCV001406081.6), dbSNP rs749275035, ClinGen allele CA10159728.

ClinVar aggregate classification (germline): Uncertain significance (1 of 4 stars; one submission).

Allele frequency attached by ClinVar (database versions not stated): gnomAD exomes below 0.00001; ExAC 0.00001; TOPMed 0.00002; gnomAD 0.00004 and 0.00005.
gnomAD v4.1: 6 of 1,612,760 alleles (0.00037%); highest among the groups gnomAD compares: African/African-American, 0.0067%; no homozygotes.

Submission:

Labcorp Genetics (formerly Invitae), Labcorp
Classification: Uncertain significance. Last evaluated: 2021-05-19. Review status: criteria provided, single submitter. Criteria: Invitae Variant Classification Sherloc (09022015). Collection method: clinical testing. Allele origin: germline.
Comment: In summary, the available evidence is currently insufficient to determine the role of this variant in disease. Therefore, it has been classified as a Variant of Uncertain Significance. Algorithms developed to predict the effect of missense changes on protein structure and function are either unavailable or do not agree on the potential impact of this missense change (SIFT: "Not Available"; PolyPhen-2: "Benign"; Align-GVGD: "Not Available"). This variant has not been reported in the literature in individuals with MYO18B-related conditions. This variant is present in population databases (rs749275035, ExAC 0.01%). This sequence change replaces proline with leucine at codon 314 of the MYO18B protein (p.Pro314Leu). The proline residue is weakly conserved and there is a moderate physicochemical difference between proline and leucine.